The following is an entry in ClinVar:

NM_003718.5(CDK13):c.4303G>A (p.Ala1435Thr)

Gene: CDK13 (cyclin dependent kinase 13; plus strand). Cytogenetic location: 7p14.1.
Variant type: single nucleotide variant.
Coding change: c.4303G>A on transcript NM_003718.5 (MANE Select); coding-DNA position 4303, G replaced by A.
Protein change: p.Ala1435Thr; replaces alanine 1435 with threonine.
Molecular consequence: missense variant.
Genome position (GRCh38, 1-based): chr7:40,094,744, G>A. VCF-style: chr7-40094744-G-A. GRCh37 (hg19) VCF-style: chr7-40134343-G-A.
Other names: c.4123G>A, p.Ala1375Thr (NM_031267.4); short protein forms A1375T, A1435T.
Identifiers: ClinVar variation 2627247 (VCV002627247.3), dbSNP rs1224437898, ClinGen allele CA367296886.

ClinVar aggregate classification (germline): Uncertain significance. Review status: criteria provided, multiple submitters, no conflicts (2 of 4 stars). 2 submissions from 2 submitters: Uncertain significance (2). Last evaluated 2024-07-11.

Submissions (2):

Labcorp Genetics (formerly Invitae), Labcorp
Classification: Uncertain significance. Last evaluated: 2024-07-11. Review status: criteria provided, single submitter. Criteria: Invitae Variant Classification Sherloc (09022015). Collection method: clinical testing. Allele origin: germline.
Comment: This sequence change replaces alanine, which is neutral and non-polar, with threonine, which is neutral and polar, at codon 1435 of the CDK13 protein (p.Ala1435Thr). This variant is not present in population databases (gnomAD no frequency). This variant has not been reported in the literature in individuals affected with CDK13-related conditions. ClinVar contains an entry for this variant (Variation ID: 2627247). Advanced modeling of protein sequence and biophysical properties (such as structural, functional, and spatial information, amino acid conservation, physicochemical variation, residue mobility, and thermodynamic stability) performed at Invitae indicates that this missense variant is not expected to disrupt CDK13 protein function with a negative predictive value of 95%. In summary, the available evidence is currently insufficient to determine the role of this variant in disease. Therefore, it has been classified as a Variant of Uncertain Significance.

Women's Health and Genetics/Laboratory Corporation of America, LabCorp
Classification: Uncertain significance. Last evaluated: 2023-09-15. Review status: criteria provided, single submitter. Criteria: LabCorp Variant Classification Summary - May 2015. Collection method: clinical testing. Allele origin: germline.
Comment: Variant summary: CDK13 c.4303G>A (p.Ala1435Thr) results in a non-conservative amino acid change in the encoded protein sequence. Four of five in-silico tools predict a benign effect of the variant on protein function. The variant was absent in 251352 control chromosomes. The available data on variant occurrences in the general population are insufficient to allow any conclusion about variant significance. To our knowledge, no occurrence of c.4303G>A in individuals affected with Congenital Heart Defects, Dysmorphic Facial Features, And Intellectual Developmental Disorder and no experimental evidence demonstrating its impact on protein function have been reported. No submitters have cited clinical-significance assessments for this variant to ClinVar after 2014. Based on the evidence outlined above, the variant was classified as uncertain significance.